The following is an entry in ClinVar:

ClinVar aggregate classification (germline): Pathogenic (1 of 4 stars; one submission).

Conditions:
Muscular dystrophy-dystroglycanopathy type B6 (MDDGB6). Also called: MUSCULAR DYSTROPHY-DYSTROGLYCANOPATHY (CONGENITAL WITH IMPAIRED INTELLECTUAL DEVELOPMENT), TYPE B, 6; MUSCULAR DYSTROPHY, CONGENITAL, LARGE-RELATED; MUSCULAR DYSTROPHY, CONGENITAL, TYPE 1D. Identifiers: MedGen C1837229, MONDO:0012138, OMIM 608840.

Submission:

Labcorp Genetics (formerly Invitae), Labcorp
Classification: Pathogenic for Muscular dystrophy-dystroglycanopathy type B6. Last evaluated: 2023-12-11. Review status: criteria provided, single submitter. Criteria: Invitae Variant Classification Sherloc (09022015). Collection method: clinical testing. Allele origin: germline.
Comment: This variant is a gross deletion of the genomic region encompassing exon(s) 4-6 of the LARGE1 gene. This deletion is out-of-frame, and is expected to create a premature termination codon and result in an absent or disrupted protein product. Loss-of-function variants in LARGE1 are known to be pathogenic (PMID: 12966029, 17878207). A similar copy number variant has been observed in individual(s) with alpha-dystroglycanopathy (PMID: 24709677). For these reasons, this variant has been classified as Pathogenic.

Literature cited by the submitters: PubMed 12966029; PubMed 17878207; PubMed 24709677.

NC_000022.10:g.(?_34000401)_(34046674_?)del

Gene: LARGE1 (LARGE xylosyl- and glucuronyltransferase 1; minus strand). Cytogenetic location: 22q12.3.
Variant type: Deletion.
Identifiers: ClinVar variation 2425220 (VCV002425220.6).